The following is an entry in ClinVar:

ClinVar aggregate classification (germline): Likely benign (0 of 4 stars; one submission).

Conditions:
CAD-related disorder. Also called: CAD-related condition.

Allele frequency attached by ClinVar (database versions not stated): gnomAD exomes below 0.00001; ExAC 0.00001.
gnomAD v4.1: 1 of 1,612,070 alleles (0.000062%); highest among the groups gnomAD compares: Non-Finnish European, 0.000085%; no homozygotes.

Submission:

PreventionGenetics, part of Exact Sciences
Classification: Likely benign for CAD-related condition. Last evaluated: 2022-10-06. Review status: no assertion criteria provided. Collection method: clinical testing. Allele origin: germline.
Comment: This variant is classified as likely benign based on ACMG/AMP sequence variant interpretation guidelines (Richards et al. 2015 PMID: 25741868, with internal and published modifications).

NM_004341.5(CAD):c.5639-4G>A

Gene: CAD (carbamoyl-phosphate synthetase 2, aspartate transcarbamylase, and dihydroorotase; plus strand). Cytogenetic location: 2p23.3.
Variant type: single nucleotide variant.
Coding change: c.5639-4G>A on transcript NM_004341.5 (MANE Select); 4 bases into the intron before coding-DNA position 5639, G replaced by A.
Molecular consequence: intron variant.
Genome position (GRCh38, 1-based): chr2:27,241,054, G>A. VCF-style: chr2-27241054-G-A. GRCh37 (hg19) VCF-style: chr2-27463922-G-A.
Other names: c.5450-4G>A (NM_001306079.2).
Identifiers: ClinVar variation 3055263 (VCV003055263.2), dbSNP rs780318171, ClinGen allele CA1573976.